The following is an entry in ClinVar:

NM_003995.4(NPR2):c.2260C>T (p.Arg754Trp)

Gene: NPR2 (natriuretic peptide receptor 2; plus strand). Cytogenetic location: 9p13.3.
Variant type: single nucleotide variant.
Coding change: c.2260C>T on transcript NM_003995.4 (MANE Select); coding-DNA position 2260, C replaced by T.
Protein change: p.Arg754Trp; replaces arginine 754 with tryptophan.
Molecular consequence: missense variant.
Genome position (GRCh38, 1-based): chr9:35,806,121, C>T. VCF-style: chr9-35806121-C-T. GRCh37 (hg19) VCF-style: chr9-35806118-C-T.
Other names: c.2269C>T, p.Arg757Trp (NM_001378923.1); short protein forms R754W, R757W.
Identifiers: ClinVar variation 639899 (VCV000639899.8), dbSNP rs371968545, ClinGen allele CA5051925.

ClinVar aggregate classification (germline): Uncertain significance. Review status: criteria provided, multiple submitters, no conflicts (2 of 4 stars). 2 submissions from 2 submitters: Uncertain significance (2). Last evaluated 2025-03-31.

Conditions:
Inborn genetic diseases. Identifiers: MedGen C0950123, MeSH D030342.
Acromesomelic dysplasia 1, Maroteaux type (AMD1). Also called: ST. HELENA DYSPLASIA; ACROMESOMELIC DYSPLASIA 1. Identifiers: Orphanet 40, MedGen C1864356, MONDO:0011275, OMIM 602875.
Tall stature-scoliosis-macrodactyly of the great toes syndrome. Also called: Epiphyseal chondrodysplasia, miura type. Identifiers: Orphanet 329191, MedGen C4014690, MONDO:0014401, OMIM 615923.

Allele frequency attached by ClinVar (database versions not stated): ESP Exome Variant Server 0.00008; TOPMed 0.00018.
gnomAD v4.1: 117 of 1,614,076 alleles (0.0072%); highest among the groups gnomAD compares: African/African-American, 0.027%; no homozygotes.

Submissions (2):

Labcorp Genetics (formerly Invitae), Labcorp
Classification: Uncertain significance for Tall stature-scoliosis-macrodactyly of the great toes syndrome; Acromesomelic dysplasia 1, Maroteaux type. Last evaluated: 2025-03-31. Review status: criteria provided, single submitter. Criteria: Invitae Variant Classification Sherloc (09022015). Collection method: clinical testing. Allele origin: germline.
Comment: This sequence change replaces arginine, which is basic and polar, with tryptophan, which is neutral and slightly polar, at codon 754 of the NPR2 protein (p.Arg754Trp). This variant is present in population databases (rs371968545, gnomAD 0.04%). This variant has not been reported in the literature in individuals affected with NPR2-related conditions. ClinVar contains an entry for this variant (Variation ID: 639899). Invitae Evidence Modeling of protein sequence and biophysical properties (such as structural, functional, and spatial information, amino acid conservation, physicochemical variation, residue mobility, and thermodynamic stability) indicates that this missense variant is not expected to disrupt NPR2 protein function with a negative predictive value of 80%. In summary, the available evidence is currently insufficient to determine the role of this variant in disease. Therefore, it has been classified as a Variant of Uncertain Significance.

Ambry Genetics
Classification: Uncertain significance for Inborn genetic diseases. Last evaluated: 2023-10-02. Review status: criteria provided, single submitter. Criteria: Ambry Variant Classification Scheme 2023. Collection method: clinical testing. Allele origin: germline.